The following is an entry in ClinVar:

NM_001291303.3(FAT4):c.1435G>A (p.Val479Met)

Gene: FAT4 (FAT atypical cadherin 4; plus strand). Cytogenetic location: 4q28.1.
Variant type: single nucleotide variant.
Coding change: c.1435G>A on transcript NM_001291303.3 (MANE Select); coding-DNA position 1435, G replaced by A.
Protein change: p.Val479Met; replaces valine 479 with methionine.
Molecular consequence: missense variant.
Genome position (GRCh38, 1-based): chr4:125,317,846, G>A. VCF-style: chr4-125317846-G-A. GRCh37 (hg19) VCF-style: chr4-126239001-G-A.
Other names: c.1435G>A, p.Val479Met (NM_001291285.3, NM_024582.6); short protein forms V479M.
Identifiers: ClinVar variation 2000174 (VCV002000174.4), dbSNP rs2530427953, ClinGen allele CA358117897.

ClinVar aggregate classification (germline): Uncertain significance (1 of 4 stars; one submission).

Submission:

Labcorp Genetics (formerly Invitae), Labcorp
Classification: Uncertain significance. Last evaluated: 2022-05-28. Review status: criteria provided, single submitter. Criteria: Invitae Variant Classification Sherloc (09022015). Collection method: clinical testing. Allele origin: germline.
Comment: Advanced modeling of protein sequence and biophysical properties (such as structural, functional, and spatial information, amino acid conservation, physicochemical variation, residue mobility, and thermodynamic stability) performed at Invitae indicates that this missense variant is not expected to disrupt FAT4 protein function. In summary, the available evidence is currently insufficient to determine the role of this variant in disease. Therefore, it has been classified as a Variant of Uncertain Significance. This variant has not been reported in the literature in individuals affected with FAT4-related conditions. This variant is not present in population databases (gnomAD no frequency). This sequence change replaces valine, which is neutral and non-polar, with methionine, which is neutral and non-polar, at codon 479 of the FAT4 protein (p.Val479Met).